The following is an entry in ClinVar:

ClinVar aggregate classification (germline): Conflicting classifications of pathogenicity. Review status: criteria provided, conflicting classifications (1 of 4 stars). 4 submissions from 4 submitters: Pathogenic (1); Uncertain significance (3). Last evaluated 2025-11-25.

Conditions:
Hereditary hemorrhagic telangiectasia (HHT). Also called: Osler hemorrhagic telangiectasia syndrome; ORW DISEASE; Osler Weber Rendu syndrome; OSLER-RENDU-WEBER DISEASE. Identifiers: Orphanet 774, MedGen C0039445, MONDO:0019180. Disease mechanism: loss of function.
Telangiectasia, hereditary hemorrhagic, type 1 (HHT1). Also called: Osler Weber Rendu syndrome type 1; ENG-Related Hereditary Hemorrhagic Telangiectasia. Identifiers: Orphanet 774, MedGen C4551861, MONDO:0008535, OMIM 187300. Disease mechanism: loss of function.

Allele frequency attached by ClinVar (database versions not stated): gnomAD exomes below 0.00001; TOPMed 0.00004.
gnomAD v4.1: 7 of 1,591,192 alleles (0.00044%); highest among the groups gnomAD compares: Middle Eastern, 0.017%; no homozygotes.

Submissions (4):

Dasa
Classification: Uncertain significance for Telangiectasia, hereditary hemorrhagic, type 1. Last evaluated: 2025-11-25. Review status: criteria provided, single submitter. Criteria: DASA Assertion Criteria. Collection method: clinical testing. Allele origin: germline.
Comment: NM_001114753.3(ENG):c.8G>A (p.Arg3His) is a missense variant that results in the substitution of arginine with histidine. This variant is rare in population databases. Computational prediction algorithms are consistent with a benign effect. The currently available literature and clinical evidence are not sufficient to establish a definitive association between this variant and the reported condition. Therefore, this variant is classified as a variant of uncertain significance.

Labcorp Genetics (formerly Invitae), Labcorp
Classification: Uncertain significance for Hereditary hemorrhagic telangiectasia. Last evaluated: 2022-06-02. Review status: criteria provided, single submitter. Criteria: Invitae Variant Classification Sherloc (09022015). Collection method: clinical testing. Allele origin: germline.
Comment: This sequence change replaces arginine, which is basic and polar, with histidine, which is basic and polar, at codon 3 of the ENG protein (p.Arg3His). This variant is not present in population databases (gnomAD no frequency). This variant has not been reported in the literature in individuals affected with ENG-related conditions. ClinVar contains an entry for this variant (Variation ID: 975983). Advanced modeling of protein sequence and biophysical properties (such as structural, functional, and spatial information, amino acid conservation, physicochemical variation, residue mobility, and thermodynamic stability) performed at Invitae indicates that this missense variant is not expected to disrupt ENG protein function. In summary, the available evidence is currently insufficient to determine the role of this variant in disease. Therefore, it has been classified as a Variant of Uncertain Significance.

Mendelics
Classification: Uncertain significance. Last evaluated: 2022-05-04. Review status: criteria provided, single submitter. Criteria: Mendelics Assertion Criteria 2019. Collection method: clinical testing. Allele origin: germline.

Institute of Human Genetics, University of Leipzig Medical Center
Classification: Pathogenic for Telangiectasia, hereditary hemorrhagic, type 1. Last evaluated: 2019-09-13. Review status: criteria provided, single submitter. Criteria: ACMG Guidelines, 2015. Collection method: clinical testing. Allele origin: germline. Affected: yes. Observed: 1 variant allele.

NM_001114753.3(ENG):c.8G>A (p.Arg3His)

Gene: ENG (endoglin; minus strand). Cytogenetic location: 9q34.11.
Variant type: single nucleotide variant.
Coding change: c.8G>A on transcript NM_001114753.3 (MANE Select); coding-DNA position 8, G replaced by A.
Protein change: p.Arg3His; replaces arginine 3 with histidine.
Molecular consequence: missense variant.
Genome position (GRCh38, 1-based): chr9:127,854,348, C>T on the plus strand (G>A on the coding strand, the complement: ENG is on the minus strand). VCF-style: chr9-127854348-C-T. GRCh37 (hg19) VCF-style: chr9-130616627-C-T.
Other names: c.8G>A, p.Arg3His (NM_000118.4, NM_001406715.1); short protein forms R3H.
Identifiers: ClinVar variation 975983 (VCV000975983.8), dbSNP rs1588604597, ClinGen allele CA374989686.